The following is an entry in ClinVar:

ClinVar aggregate classification (germline): Uncertain significance. Review status: criteria provided, multiple submitters, no conflicts (2 of 4 stars). 2 submissions from 2 submitters: Uncertain significance (2). Last evaluated 2025-03-11.

Conditions:
Inborn genetic diseases. Identifiers: MedGen C0950123, MeSH D030342.

gnomAD v4.1: 110 of 1,609,546 alleles (0.0068%); highest among the groups gnomAD compares: Non-Finnish European, 0.0092%; no homozygotes.

Submissions (2):

Dasa
Classification: Uncertain significance. Last evaluated: 2025-03-11. Review status: criteria provided, single submitter. Criteria: DASA Assertion Criteria. Collection method: clinical testing. Allele origin: germline.
Comment: NM_003086.4(SNAPC4):c.3578C>G (p.Ala1193Gly) is a missense variant that results in the substitution of alanine with glycine. This variant is rare in population databases. Computational prediction algorithms are consistent with a benign effect. The currently available literature and clinical evidence are not sufficient to establish a definitive association between this variant and the reported condition. Therefore, this variant is classified as a variant of uncertain significance.

Ambry Genetics
Classification: Uncertain significance for Inborn genetic diseases. Last evaluated: 2024-10-12. Review status: criteria provided, single submitter. Criteria: Ambry Variant Classification Scheme 2023. Collection method: clinical testing. Allele origin: germline.

NM_003086.4(SNAPC4):c.3578C>G (p.Ala1193Gly)

Gene: SNAPC4 (small nuclear RNA activating complex polypeptide 4; minus strand). Cytogenetic location: 9q34.3.
Variant type: single nucleotide variant.
Coding change: c.3578C>G on transcript NM_003086.4 (MANE Select); coding-DNA position 3578, C replaced by G.
Protein change: p.Ala1193Gly; replaces alanine 1193 with glycine.
Molecular consequence: missense variant.
Genome position (GRCh38, 1-based): chr9:136,378,249, G>C on the plus strand (C>G on the coding strand, the complement: SNAPC4 is on the minus strand). VCF-style: chr9-136378249-G-C. GRCh37 (hg19) VCF-style: chr9-139272701-G-C.
Other names: c.3578C>G, p.Ala1193Gly (NM_001394201.1); c.3494C>G, p.Ala1165Gly (NM_001394202.1, NM_001394203.1); short protein forms A1165G, A1193G.
Identifiers: ClinVar variation 3446638 (VCV003446638.3).